The following is an entry in ClinVar:

ClinVar aggregate classification (germline): Uncertain significance. Review status: criteria provided, multiple submitters, no conflicts (2 of 4 stars). 4 submissions from 4 submitters: Uncertain significance (4). Last evaluated 2024-12-06.

Conditions:
LAMA2-related muscular dystrophy (LAMA2-RD). Also called: Laminin alpha 2-related dystrophy. Identifiers: MedGen C5679788, MONDO:0100228.

Allele frequency attached by ClinVar (database versions not stated): TOPMed 0.00005; gnomAD 0.00006 and 0.00007; ESP Exome Variant Server 0.00008.
gnomAD v4.1: 85 of 1,614,010 alleles (0.0053%); highest among the groups gnomAD compares: Non-Finnish European, 0.0067%; no homozygotes.

Submissions (4):

Women's Health and Genetics/Laboratory Corporation of America, LabCorp
Classification: Uncertain significance. Last evaluated: 2024-12-06. Review status: criteria provided, single submitter. Criteria: LabCorp Variant Classification Summary - May 2015. Collection method: clinical testing. Allele origin: germline.
Comment: Variant summary: LAMA2 c.479A>T (p.Asp160Val) results in a non-conservative amino acid change in the encoded protein sequence. Three of five in-silico tools predict a damaging effect of the variant on protein function. The variant allele was found at a frequency of 4.4e-05 in 251468 control chromosomes. This frequency is not significantly higher than estimated for a pathogenic variant in LAMA2 causing Merosin deficient congenital muscular dystrophy (4.4e-05 vs 0.0035), allowing no conclusion about variant significance. c.479A>T has been reported in the literature in an individual affected with dilated cardiomyopathy (Mazzarotto_2020) but not Merosin deficient congenital muscular dystrophy. These report(s) do not provide unequivocal conclusions about association of the variant with Merosin deficient congenital muscular dystrophy. To our knowledge, no experimental evidence demonstrating an impact on protein function has been reported. The following publication have been ascertained in the context of this evaluation (PMID: 31983221). ClinVar contains an entry for this variant (Variation ID: 197142). Based on the evidence outlined above, the variant was classified as uncertain significance.

Labcorp Genetics (formerly Invitae), Labcorp
Classification: Uncertain significance for LAMA2-related muscular dystrophy. Last evaluated: 2022-08-10. Review status: criteria provided, single submitter. Criteria: Invitae Variant Classification Sherloc (09022015). Collection method: clinical testing. Allele origin: germline.
Comment: This sequence change replaces aspartic acid, which is acidic and polar, with valine, which is neutral and non-polar, at codon 160 of the LAMA2 protein (p.Asp160Val). This variant is present in population databases (rs147398243, gnomAD 0.01%). This missense change has been observed in individual(s) with clinical features of dilated cardiomyopathy (PMID: 31983221). ClinVar contains an entry for this variant (Variation ID: 197142). Advanced modeling of protein sequence and biophysical properties (such as structural, functional, and spatial information, amino acid conservation, physicochemical variation, residue mobility, and thermodynamic stability) performed at Invitae indicates that this missense variant is not expected to disrupt LAMA2 protein function. In summary, the available evidence is currently insufficient to determine the role of this variant in disease. Therefore, it has been classified as a Variant of Uncertain Significance.

Athena Diagnostics
Classification: Uncertain significance. Last evaluated: 2018-12-29. Review status: criteria provided, single submitter. Criteria: Athena Diagnostics Criteria. Collection method: clinical testing. Allele origin: germline.

Eurofins Ntd Llc (ga)
Classification: Uncertain significance. Last evaluated: 2015-01-07. Review status: criteria provided, single submitter. Criteria: EGL Classification Definitions 2015. Collection method: clinical testing. Allele origin: germline. Observed: 1 variant allele, 1 heterozygote.

Literature cited by the submitters: PubMed 31983221 (cited by Women's Health and Genetics/Laboratory Corporation of America, LabCorp and Labcorp Genetics (formerly Invitae), Labcorp).

NM_000426.4(LAMA2):c.479A>T (p.Asp160Val)

Gene: LAMA2 (laminin subunit alpha 2; plus strand). Cytogenetic location: 6q22.33.
Variant type: single nucleotide variant.
Coding change: c.479A>T on transcript NM_000426.4 (MANE Select); coding-DNA position 479, A replaced by T.
Protein change: p.Asp160Val; replaces aspartic acid 160 with valine.
Molecular consequence: missense variant.
Genome position (GRCh38, 1-based): chr6:129,098,255, A>T. VCF-style: chr6-129098255-A-T. GRCh37 (hg19) VCF-style: chr6-129419400-A-T.
Other names: c.479A>T, p.Asp160Val (NM_001079823.2); short protein forms D160V.
Identifiers: ClinVar variation 197142 (VCV000197142.9), dbSNP rs147398243, ClinGen allele CA245109.
Genomic context (GRCh38, chr6:129,098,255, plus strand): 5'-TTGTGAAGGCAGCTAACTCCCCCCGGCCTGGAAACTGGATTTTGGAACGCTCTCTTGATG[A>T]TGTTGAATACAAGCCCTGGCAGTATCATGCTGTGACAGACACGGAGTGCCTAACGCTTTA-3'
Protein context (NP_000417.3, residues 150-170): GNWILERSLD[Asp160Val]VEYKPWQYHA